The following is an entry in ClinVar:

ClinVar aggregate classification (germline): Conflicting classifications of pathogenicity. Review status: criteria provided, conflicting classifications (1 of 4 stars). 7 submissions from 6 submitters: Uncertain significance (5); Benign (1); Likely benign (1). Last evaluated 2026-08-10.

Conditions:
COL11A1-related disorder. Also called: COL11A1-related condition; COL11A1-related disorders.
Inborn genetic diseases. Identifiers: MedGen C0950123, MeSH D030342.
Fibrochondrogenesis 1 (FBCG1). Identifiers: Orphanet 2021, MedGen C3278138, MONDO:0009226, OMIM 228520.
Stickler syndrome type 2 (STL2). Also called: STICKLER SYNDROME, TYPE II; STICKLER SYNDROME, BEADED VITREOUS TYPE; STICKLER SYNDROME, VITREOUS TYPE 2; COL11A1-Related Stickler Syndrome. Identifiers: Orphanet 828, Orphanet 90654, MedGen C1858084, MONDO:0011493, OMIM 604841.

Allele frequency attached by ClinVar (database versions not stated): gnomAD exomes 0.00001 and 0.00004; ExAC 0.00002; TOPMed 0.00006; gnomAD 0.00010.
gnomAD v4.1: 19 of 1,613,138 alleles (0.0012%); highest among the groups gnomAD compares: East Asian, 0.036%; no homozygotes.

Submissions (7):

PreventionGenetics, part of Exact Sciences
Classification: Uncertain significance for COL11A1-related condition. Last evaluated: 2026-08-10. Review status: criteria provided, single submitter. Criteria: ACMG Guidelines, 2015. Collection method: clinical testing. Allele origin: germline.
Comment: The COL11A1 c.628A>G variant is predicted to result in the amino acid substitution p.Ile210Val. To our knowledge, this variant has not been reported in the literature. This variant is reported in 0.055% of alleles in individuals of East Asian descent in gnomAD. At this time, the clinical significance of this variant is uncertain due to the absence of conclusive functional and genetic evidence.

Labcorp Genetics (formerly Invitae), Labcorp
Classification: Benign. Last evaluated: 2025-09-14. Review status: criteria provided, single submitter. Criteria: Invitae Variant Classification Sherloc (09022015). Collection method: clinical testing. Allele origin: germline.

Women's Health and Genetics/Laboratory Corporation of America, LabCorp
Classification: Likely benign. Last evaluated: 2025-02-04. Review status: criteria provided, single submitter. Criteria: LabCorp Variant Classification Summary - May 2015. Collection method: clinical testing. Allele origin: germline.
Comment: Variant summary: COL11A1 c.628A>G (p.Ile210Val) results in a conservative amino acid change located in the Laminin G domain (IPR001791) of the encoded protein sequence. Four of five in-silico tools predict a benign effect of the variant on protein function. The variant allele was found at a frequency of 1.2e-05 in 1606144 control chromosomes, predominantly at a frequency of 0.00036 within the East Asian subpopulation in the gnomAD database. In addition, the variant was reported in some East Asian subpopulations with even higher allele frequencies, e.g. in Chinese, with an allele frequency of ~0.0013 (i.e. 27 / 21176 alleles; in the ChinaMAP database [PMID: 32355288]), suggesting the variant might be a benign polymorphism. To our knowledge, no occurrence of c.628A>G in individuals affected with Stickler Syndrome and no experimental evidence demonstrating its impact on protein function have been reported. ClinVar contains an entry for this variant (Variation ID: 291546). Based on the evidence outlined above, the variant was classified as likely benign.

GeneDx
Classification: Uncertain significance. Last evaluated: 2024-12-10. Review status: criteria provided, single submitter. Criteria: GeneDx Variant Classification Process June 2021. Collection method: clinical testing. Allele origin: germline. Affected: yes.
Comment: In silico analysis indicates that this missense variant does not alter protein structure/function; Has not been previously published as pathogenic or benign to our knowledge; This variant is associated with the following publications: (PMID: 25240749)

Ambry Genetics
Classification: Uncertain significance for Inborn genetic diseases. Last evaluated: 2023-03-29. Review status: criteria provided, single submitter. Criteria: Ambry Variant Classification Scheme 2023. Collection method: clinical testing. Allele origin: germline.

Illumina Laboratory Services, Illumina
Classification: Uncertain significance for Stickler syndrome type 2. Last evaluated: 2018-01-13. Review status: criteria provided, single submitter. Criteria: ICSL Variant Classification Criteria 13 December 2019. Collection method: clinical testing. Allele origin: germline.

Illumina Laboratory Services, Illumina
Classification: Uncertain significance for Fibrochondrogenesis 1. Last evaluated: 2018-01-13. Review status: criteria provided, single submitter. Criteria: ICSL Variant Classification Criteria 13 December 2019. Collection method: clinical testing. Allele origin: germline.

NM_001854.4(COL11A1):c.628A>G (p.Ile210Val)

Gene: COL11A1 (collagen type XI alpha 1 chain; minus strand). Cytogenetic location: 1p21.1.
Variant type: single nucleotide variant.
Coding change: c.628A>G on transcript NM_001854.4 (MANE Select); coding-DNA position 628, A replaced by G.
Protein change: p.Ile210Val; replaces isoleucine 210 with valine.
Molecular consequence: missense variant. On other transcripts: non-coding transcript variant (1).
Genome position (GRCh38, 1-based): chr1:103,074,641, T>C on the plus strand (A>G on the coding strand, the complement: COL11A1 is on the minus strand). VCF-style: chr1-103074641-T-C. GRCh37 (hg19) VCF-style: chr1-103540197-T-C.
Other names: c.628A>G, p.Ile210Val (NM_001190709.2, NM_080629.3, NM_080630.4); short protein forms I210V.
Identifiers: ClinVar variation 291546 (VCV000291546.17), dbSNP rs779282500, ClinGen allele CA975398.